The following is an entry in ClinVar:

ClinVar aggregate classification (germline): Conflicting classifications of pathogenicity. Review status: criteria provided, conflicting classifications (1 of 4 stars). 6 submissions from 6 submitters: Uncertain significance (1); Likely benign (3). 2 of the submissions do not count toward it. Last evaluated 2026-01-28.

Conditions:
Mucolipidosis type IV (ML4). Also called: ML IV. Identifiers: Orphanet 578, MedGen C0238286, MONDO:0009653, OMIM 252650.
Inborn genetic diseases. Identifiers: MedGen C0950123, MeSH D030342.
MCOLN1-related disorder. Also called: MCOLN1-related condition.

Allele frequency attached by ClinVar (database versions not stated): 1000 Genomes Project 30x 0.00047; ESP Exome Variant Server 0.00047; ExAC 0.00051; gnomAD exomes 0.00054 and 0.00104; 1000 Genomes Project 0.00060; TOPMed 0.00071; gnomAD 0.00073 and 0.00078.
gnomAD v4.1: 1,609 of 1,610,974 alleles (0.1%); highest among the groups gnomAD compares: Non-Finnish European, 0.13%; 1 homozygote.

Submissions (6):

Labcorp Genetics (formerly Invitae), Labcorp
Classification: Likely benign for Mucolipidosis type IV. Last evaluated: 2026-01-28. Review status: criteria provided, single submitter. Criteria: Invitae Variant Classification Sherloc (09022015). Collection method: clinical testing. Allele origin: germline.

Blueprint Genetics
Classification: Likely benign. Last evaluated: 2024-11-17. Review status: criteria provided, single submitter. Criteria: ACMG Guidelines, 2015. Collection method: clinical testing. Allele origin: germline.

Ambry Genetics
Classification: Likely benign for Inborn genetic diseases. Last evaluated: 2022-03-25. Review status: criteria provided, single submitter. Criteria: Ambry Variant Classification Scheme 2023. Collection method: clinical testing. Allele origin: germline.

Illumina Laboratory Services, Illumina
Classification: Uncertain significance for Mucolipidosis type IV. Last evaluated: 2017-05-22. Review status: criteria provided, single submitter. Criteria: ICSL Variant Classification Criteria 13 December 2019. Collection method: clinical testing. Allele origin: germline.
Comment: This variant was observed as part of a predisposition screen in an ostensibly healthy population. A literature search was performed for the gene, cDNA change, and amino acid change (where applicable). Publications were found based on this search. However, the evidence from the literature, in combination with allele frequency data from public databases where available, was not sufficient to rule this variant in or out of causing disease. Therefore, this variant is classified as a variant of unknown significance.

Natera, Inc.
Classification: Likely benign for Mucolipidosis type IV. Last evaluated: 2020-06-01. Review status: no assertion criteria provided. Collection method: clinical testing. Allele origin: germline. Not counted in ClinVar's aggregate classification.

PreventionGenetics, part of Exact Sciences
Classification: Likely benign for MCOLN1-related condition. Last evaluated: 2019-03-25. Review status: no assertion criteria provided. Collection method: clinical testing. Allele origin: germline. Not counted in ClinVar's aggregate classification.
Comment: This variant is classified as likely benign based on ACMG/AMP sequence variant interpretation guidelines (Richards et al. 2015 PMID: 25741868, with internal and published modifications).

Literature cited by the submitters: PubMed 25933391 (cited by Illumina Laboratory Services, Illumina).

NM_020533.3(MCOLN1):c.1584C>T (p.Gly528=)

Gene: MCOLN1 (mucolipin TRP cation channel 1; plus strand). Cytogenetic location: 19p13.2.
Variant type: single nucleotide variant.
Coding change: c.1584C>T on transcript NM_020533.3 (MANE Select); coding-DNA position 1584, C replaced by T.
Protein change: p.Gly528=; no amino-acid change (glycine 528 retained).
Molecular consequence: synonymous variant.
Genome position (GRCh38, 1-based): chr19:7,533,531, C>T. VCF-style: chr19-7533531-C-T. GRCh37 (hg19) VCF-style: chr19-7598417-C-T.
Identifiers: ClinVar variation 788834 (VCV000788834.21), dbSNP rs145386883, ClinGen allele CA9139202.